The following is an entry in ClinVar:

ClinVar aggregate classification (germline): Uncertain significance (1 of 4 stars; one submission).

Submission:

Labcorp Genetics (formerly Invitae), Labcorp
Classification: Uncertain significance. Last evaluated: 2022-03-11. Review status: criteria provided, single submitter. Criteria: Invitae Variant Classification Sherloc (09022015). Collection method: clinical testing. Allele origin: germline.
Comment: This sequence change creates a premature translational stop signal (p.Ser3726Profs*48) in the ZNF469 gene. While this is not anticipated to result in nonsense mediated decay, it is expected to disrupt the last 200 amino acid(s) of the ZNF469 protein. This variant is not present in population databases (gnomAD no frequency). This variant has not been reported in the literature in individuals affected with ZNF469-related conditions. Experimental studies and prediction algorithms are not available or were not evaluated, and the functional significance of this variant is currently unknown. In summary, the available evidence is currently insufficient to determine the role of this variant in disease. Therefore, it has been classified as a Variant of Uncertain Significance.

NM_001367624.2(ZNF469):c.11250_11259dup (p.Ser3754fs)

Gene: ZNF469 (zinc finger protein 469; plus strand). Cytogenetic location: 16q24.2.
Variant type: Duplication.
Coding change: c.11250_11259dup on transcript NM_001367624.2 (MANE Select); coding-DNA positions 11250 to 11259, 10 bases duplicated (CCAGCCAGCC; older notation c.11250_11259dupCCAGCCAGCC).
Protein change: p.Ser3754fs; shifts the reading frame from serine 3754.
Molecular consequence: frameshift variant.
Genome position (GRCh38, 1-based): chr16:88,438,720-88,438,729, CCAGCCAGCC duplicated; duplicating any 10 consecutive bases within chr16:88,438,711-88,438,729 gives the same sequence; the c. name uses the placement nearest the transcript's 3' end. VCF-style (leftmost placement, unchanged base first): chr16-88438710-G-GCAGCCAGCCC. GRCh37 (hg19) VCF-style: chr16-88505118-G-GCAGCCAGCCC.
Other names: short protein forms S3754fs.
Identifiers: ClinVar variation 2109388 (VCV002109388.4), dbSNP rs1438840753, ClinGen allele CA2580092235.